The following is an entry in ClinVar:

ClinVar aggregate classification (germline): Uncertain significance (1 of 4 stars; one submission).

Allele frequency attached by ClinVar (database versions not stated): TOPMed below 0.00001.

Submission:

ARUP Laboratories, Molecular Genetics and Genomics, ARUP Laboratories
Classification: Uncertain significance. Last evaluated: 2019-05-03. Review status: criteria provided, single submitter. Criteria: ARUP Molecular Germline Variant Investigation Process. Collection method: clinical testing. Allele origin: germline.
Comment: The ICK c.964C>G; p.Pro322Ala variant, to our knowledge, is not reported in the medical literature or gene specific databases. This variant is also absent from general population databases (Exome Variant Server, Genome Aggregation Database), indicating it is not a common polymorphism. The proline at codon 322 is highly conserved, but computational analyses (SIFT, PolyPhen-2) predict that this variant is tolerated. Due to limited information, the clinical significance of the p.Pro322Ala variant is uncertain at this time.

NM_014920.5(CILK1):c.964C>G (p.Pro322Ala)

Gene: CILK1 (ciliogenesis associated kinase 1; minus strand). Cytogenetic location: 6p12.1.
Variant type: single nucleotide variant.
Coding change: c.964C>G on transcript NM_014920.5 (MANE Select); coding-DNA position 964, C replaced by G.
Protein change: p.Pro322Ala; replaces proline 322 with alanine.
Molecular consequence: missense variant. On other transcripts: non-coding transcript variant (1).
Genome position (GRCh38, 1-based): chr6:53,013,850, G>C on the plus strand (C>G on the coding strand, the complement: CILK1 is on the minus strand). VCF-style: chr6-53013850-G-C. GRCh37 (hg19) VCF-style: chr6-52878648-G-C.
Other names: c.964C>G, p.Pro322Ala (NM_001375397.1, NM_001375398.1, NM_001375399.1 and 4 more transcripts); short protein forms P322A.
Identifiers: ClinVar variation 812017 (VCV000812017.8), dbSNP rs1183385446, ClinGen allele CA364468988.